The following is an entry in ClinVar:

ClinVar aggregate classification (germline): Uncertain significance. Review status: criteria provided, multiple submitters, no conflicts (2 of 4 stars). 2 submissions from 2 submitters: Uncertain significance (2). Last evaluated 2024-04-26.

Conditions:
Hereditary cancer-predisposing syndrome. Also called: Neoplastic Syndromes, Hereditary; Tumor predisposition; Hereditary neoplastic syndrome; Hereditary Cancer Syndrome. Identifiers: Orphanet 140162, MedGen C0027672, MeSH D009386, MONDO:0015356.
Parathyroid carcinoma (PRTC). Also called: CDC73-Related Parathyroid Carcinoma; Parathyroid gland carcinoma. Identifiers: Orphanet 143, MedGen C0687150, MONDO:0012004, OMIM 608266, HP:0006780.

Submissions (2):

Ambry Genetics
Classification: Uncertain significance for Hereditary cancer-predisposing syndrome. Last evaluated: 2024-04-26. Review status: criteria provided, single submitter. Criteria: Ambry Variant Classification Scheme 2023. Collection method: clinical testing. Allele origin: germline.
Comment: The p.E482K variant (also known as c.1444G>A), located in coding exon 16 of the CDC73 gene, results from a G to A substitution at nucleotide position 1444. The glutamic acid at codon 482 is replaced by lysine, an amino acid with similar properties. This amino acid position is conserved. In addition, the in silico prediction for this alteration is inconclusive. Based on the available evidence, the clinical significance of this variant remains unclear.

Labcorp Genetics (formerly Invitae), Labcorp
Classification: Uncertain significance for Parathyroid carcinoma. Last evaluated: 2021-07-10. Review status: criteria provided, single submitter. Criteria: Invitae Variant Classification Sherloc (09022015). Collection method: clinical testing. Allele origin: germline.
Comment: This variant is not present in population databases (ExAC no frequency). This sequence change replaces glutamic acid with lysine at codon 482 of the CDC73 protein (p.Glu482Lys). The glutamic acid residue is moderately conserved and there is a small physicochemical difference between glutamic acid and lysine. This variant has not been reported in the literature in individuals affected with CDC73-related conditions. Algorithms developed to predict the effect of missense changes on protein structure and function are either unavailable or do not agree on the potential impact of this missense change (SIFT: "Tolerated"; PolyPhen-2: "Possibly Damaging"; Align-GVGD: "Class C0"). In summary, the available evidence is currently insufficient to determine the role of this variant in disease. Therefore, it has been classified as a Variant of Uncertain Significance.

NM_024529.5(CDC73):c.1444G>A (p.Glu482Lys)

Gene: CDC73 (cell division cycle 73; plus strand). Cytogenetic location: 1q31.2.
Variant type: single nucleotide variant.
Coding change: c.1444G>A on transcript NM_024529.5 (MANE Select); coding-DNA position 1444, G replaced by A.
Protein change: p.Glu482Lys; replaces glutamic acid 482 with lysine.
Molecular consequence: missense variant.
Genome position (GRCh38, 1-based): chr1:193,249,756, G>A. VCF-style: chr1-193249756-G-A. GRCh37 (hg19) VCF-style: chr1-193218886-G-A.
Other names: c.1444G>A (NM_024529.4); short protein forms E482K.
Identifiers: ClinVar variation 1352219 (VCV001352219.9), dbSNP rs2102073303, ClinGen allele CA344078393.